The following is an entry in ClinVar:

NM_015166.4(MLC1):c.105C>T (p.Ser35=)

Gene: MLC1 (modulator of VRAC current 1; minus strand). Cytogenetic location: 22q13.33.
Variant type: single nucleotide variant.
Coding change: c.105C>T on transcript NM_015166.4 (MANE Select); coding-DNA position 105, C replaced by T.
Protein change: p.Ser35=; no amino-acid change (serine 35 retained).
Molecular consequence: synonymous variant. On other transcripts: non-coding transcript variant (3), intron variant (1).
Genome position (GRCh38, 1-based): chr22:50,084,798, G>A on the plus strand (C>T on the coding strand, the complement: MLC1 is on the minus strand). VCF-style: chr22-50084798-G-A. GRCh37 (hg19) VCF-style: chr22-50523227-G-A.
Other names: c.105C>T, p.Ser35= (NM_001376472.1, NM_001376473.1, NM_001376474.1 and 10 more transcripts); c.-59+557C>T (NM_001376484.1).
Identifiers: ClinVar variation 796374 (VCV000796374.28), dbSNP rs573095096, ClinGen allele CA10303680.
Genomic context (GRCh38, chr22:50,084,798, plus strand): 5'-AGAGAAGACCCACGTCTTGTGGCTGAAGCAGGGGGGCAGTCTCTTCGACAGCTGCAGGTC[G>A]CTCGGCTTCGCGTCTGGGGCATAGCTGGCGGGGTCTTGCCGGCCCCGCTCCAGCGTGGGC-3'
Protein context (NP_055981.1, residues 25-45): PASYAPDAKP[Ser35=]DLQLSKRLPP

ClinVar aggregate classification (germline): Likely benign. Review status: criteria provided, multiple submitters, no conflicts (2 of 4 stars). 3 submissions from 3 submitters: Likely benign (3). Last evaluated 2026-02-02.

Conditions:
MLC1-related disorder. Also called: MLC1-related condition.

Allele frequency attached by ClinVar (database versions not stated): ExAC 0.00001; gnomAD exomes 0.00002; TOPMed 0.00002; gnomAD 0.00003; 1000 Genomes Project 30x 0.00016; 1000 Genomes Project 0.00020.
gnomAD v4.1: 31 of 1,613,964 alleles (0.0019%); highest among the groups gnomAD compares: Admixed American, 0.01%; no homozygotes.

Submissions (3):

Labcorp Genetics (formerly Invitae), Labcorp
Classification: Likely benign. Last evaluated: 2026-02-02. Review status: criteria provided, single submitter. Criteria: Invitae Variant Classification Sherloc (09022015). Collection method: clinical testing. Allele origin: germline.

PreventionGenetics, part of Exact Sciences
Classification: Likely benign for MLC1-related condition. Last evaluated: 2024-11-21. Review status: criteria provided, single submitter. Criteria: ACMG Guidelines, 2015. Collection method: clinical testing. Allele origin: germline.
Comment: This variant is classified as likely benign based on ACMG/AMP sequence variant interpretation guidelines (Richards et al. 2015 PMID: 25741868, with internal and published modifications).

CeGaT Center for Human Genetics Tuebingen
Classification: Likely benign. Last evaluated: 2024-08-01. Review status: criteria provided, single submitter. Criteria: CeGaT Center For Human Genetics Tuebingen Variant Classification Criteria Version 2. Collection method: clinical testing. Allele origin: germline. Affected: yes. Observed: 1 variant allele.
Comment: MLC1: BP4, BP7